The following is an entry in ClinVar:

ClinVar aggregate classification (germline): Likely benign (1 of 4 stars; one submission).

Allele frequency attached by ClinVar (database versions not stated): gnomAD exomes 0.00004; TOPMed 0.00004; gnomAD 0.00005.
gnomAD v4.1: 44 of 1,165,008 alleles (0.0038%); highest among the groups gnomAD compares: Middle Eastern, 0.023%; no homozygotes.

Submission:

CeGaT Center for Human Genetics Tuebingen
Classification: Likely benign. Last evaluated: 2022-08-01. Review status: criteria provided, single submitter. Criteria: CeGaT Center For Human Genetics Tuebingen Variant Classification Criteria Version 2. Collection method: clinical testing. Allele origin: germline. Affected: yes. Observed: 1 variant allele.
Comment: ZIC3: BS2

NM_003413.4(ZIC3):c.227C>T (p.Pro76Leu)

Gene: ZIC3 (Zic family zinc finger 3; plus strand). Cytogenetic location: Xq26.3.
Variant type: single nucleotide variant.
Coding change: c.227C>T on transcript NM_003413.4 (MANE Select); coding-DNA position 227, C replaced by T.
Protein change: p.Pro76Leu; replaces proline 76 with leucine.
Molecular consequence: missense variant.
Genome position (GRCh38, 1-based): chrX:137,566,918, C>T. VCF-style: chrX-137566918-C-T. GRCh37 (hg19) VCF-style: chrX-136649077-C-T.
Other names: c.227C>T, p.Pro76Leu (NM_001330661.1); short protein forms P76L.
Identifiers: ClinVar variation 1711721 (VCV001711721.30), dbSNP rs1308128585, ClinGen allele CA414769455.
Genomic context (GRCh38, chrX:137,566,918, plus strand): 5'-TCAAGCTGAGCCCTGCCGCGGCGCACGATCTATCTTCAGGCCAGAGCTCGGCTTTCACGC[C>T]GCAGGGTTCGGGCTACGCCAACGCCCTGGGCCACCATCACCACCACCATCACCATCATCA-3'
Protein context (NP_003404.1, residues 66-86): LSSGQSSAFT[Pro76Leu]QGSGYANALG